The following is an entry in ClinVar:

NM_024514.5(CYP2R1):c.467C>G (p.Ser156Cys)

Genes: CYP2R1 (cytochrome P450 family 2 subfamily R member 1; minus strand), PDE3B (phosphodiesterase 3B; plus strand). Cytogenetic location: 11p15.2.
Variant type: single nucleotide variant.
Coding change: c.467C>G on transcript NM_024514.5 (MANE Select); coding-DNA position 467, C replaced by G.
Protein change: p.Ser156Cys; replaces serine 156 with cysteine.
Molecular consequence: missense variant.
Genome position (GRCh38, 1-based): chr11:14,880,669, G>C on the plus strand (C>G on the coding strand, the complement: CYP2R1 is on the minus strand). VCF-style: chr11-14880669-G-C. GRCh37 (hg19) VCF-style: chr11-14902215-G-C.
Other names: c.122C>G, p.Ser41Cys (NM_001377214.1, NM_001377215.1, NM_001377216.1 and 1 more transcripts); c.305C>G, p.Ser102Cys (NM_001377217.1); short protein forms S102C, S156C, S41C.
Identifiers: ClinVar variation 934633 (VCV000934633.9), dbSNP rs140947977, ClinGen allele CA5896677.

ClinVar aggregate classification (germline): Uncertain significance. Review status: criteria provided, multiple submitters, no conflicts (2 of 4 stars). 4 submissions from 4 submitters: Uncertain significance (4). Last evaluated 2025-08-04.

Conditions:
Vitamin D hydroxylation-deficient rickets, type 1B. Also called: PSEUDOVITAMIN D3 DEFICIENCY RICKETS DUE TO 25-HYDROXYLASE DEFICIENCY; VITAMIN D-DEPENDENT RICKETS, TYPE 1B; Rickets due to Defect in Vitamin D 25-hydroxylation. Identifiers: Orphanet 289157, MedGen C1838657, MONDO:0010810, OMIM 600081.

Allele frequency attached by ClinVar (database versions not stated): 1000 Genomes Project 0.00060; TOPMed 0.00065; gnomAD 0.00076 and 0.00081; ExAC 0.00013; gnomAD exomes 0.00014 and 0.00005; ESP Exome Variant Server 0.00046; 1000 Genomes Project 30x 0.00078.
gnomAD v4.1: 182 of 1,597,596 alleles (0.011%); highest among the groups gnomAD compares: African/African-American, 0.22%; no homozygotes.

Submissions (4):

Ambry Genetics
Classification: Uncertain significance. Last evaluated: 2025-08-04. Review status: criteria provided, single submitter. Criteria: Ambry Variant Classification Scheme 2023. Collection method: clinical testing. Allele origin: germline.

Blueprint Genetics
Classification: Uncertain significance. Last evaluated: 2024-09-23. Review status: criteria provided, single submitter. Criteria: ACMG Guidelines, 2015. Collection method: clinical testing. Allele origin: germline.

Labcorp Genetics (formerly Invitae), Labcorp
Classification: Uncertain significance. Last evaluated: 2022-10-18. Review status: criteria provided, single submitter. Criteria: Invitae Variant Classification Sherloc (09022015). Collection method: clinical testing. Allele origin: germline.
Comment: This sequence change replaces serine, which is neutral and polar, with cysteine, which is neutral and slightly polar, at codon 156 of the CYP2R1 protein (p.Ser156Cys). This variant is present in population databases (rs140947977, gnomAD 0.2%). This variant has not been reported in the literature in individuals affected with CYP2R1-related conditions. ClinVar contains an entry for this variant (Variation ID: 934633). Algorithms developed to predict the effect of missense changes on protein structure and function are either unavailable or do not agree on the potential impact of this missense change (SIFT: "Deleterious"; PolyPhen-2: "Possibly Damaging"; Align-GVGD: "Class C15"). In summary, the available evidence is currently insufficient to determine the role of this variant in disease. Therefore, it has been classified as a Variant of Uncertain Significance.

Fulgent Genetics
Classification: Uncertain significance for Vitamin D hydroxylation-deficient rickets, type 1B. Last evaluated: 2021-07-07. Review status: criteria provided, single submitter. Criteria: ACMG Guidelines, 2015. Collection method: clinical testing. Allele origin: unknown.